The following is an entry in ClinVar:

ClinVar aggregate classification (germline): Likely benign. Review status: criteria provided, multiple submitters, no conflicts (2 of 4 stars). 2 submissions from 2 submitters: Likely benign (2). Last evaluated 2024-01-25.

Conditions:
Isovaleryl-CoA dehydrogenase deficiency (IVA). Also called: Classic Isovaleric Acidemia; ISOVALERIC ACID CoA DEHYDROGENASE DEFICIENCY; IVD DEFICIENCY; Isovaleric acidemia. Identifiers: Orphanet 33, MedGen C0268575, MONDO:0009475, OMIM 243500.

Allele frequency attached by ClinVar (database versions not stated): TOPMed below 0.00001; ExAC 0.00002; gnomAD exomes 0.00002 and 0.00003.
gnomAD v4.1: 9 of 1,614,248 alleles (0.00056%); highest among the groups gnomAD compares: Admixed American, 0.015%; no homozygotes.

Submissions (2):

Labcorp Genetics (formerly Invitae), Labcorp
Classification: Likely benign for Isovaleryl-CoA dehydrogenase deficiency. Last evaluated: 2024-01-25. Review status: criteria provided, single submitter. Criteria: Invitae Variant Classification Sherloc (09022015). Collection method: clinical testing. Allele origin: germline.

GeneDx
Classification: Likely benign. Last evaluated: 2016-11-11. Review status: criteria provided, single submitter. Criteria: GeneDx Variant Classification (06012015). Collection method: clinical testing. Allele origin: germline. Affected: yes.
Comment: This variant is considered likely benign or benign based on one or more of the following criteria: it is a conservative change, it occurs at a poorly conserved position in the protein, it is predicted to be benign by multiple in silico algorithms, and/or has population frequency not consistent with disease.

NM_002225.5(IVD):c.1066-10C>T

Gene: IVD (isovaleryl-CoA dehydrogenase; plus strand). Cytogenetic location: 15q15.1.
Variant type: single nucleotide variant.
Coding change: c.1066-10C>T on transcript NM_002225.5 (MANE Select); 10 bases into the intron before coding-DNA position 1066, C replaced by T.
Molecular consequence: intron variant.
Genome position (GRCh38, 1-based): chr15:40,416,280, C>T. VCF-style: chr15-40416280-C-T. GRCh37 (hg19) VCF-style: chr15-40708479-C-T.
Other names: c.1153-10C>T (NM_001354600.3, NM_001354599.3); c.1066-10C>T (NM_001354598.3, NM_001354601.3); c.1018-10C>T (NM_001354597.3); c.976-10C>T (NM_001159508.3).
Identifiers: ClinVar variation 390425 (VCV000390425.9), dbSNP rs774472099, ClinGen allele CA7480876.
Genomic context (GRCh38, chr15:40,416,280, plus strand): 5'-TGGACCAGCTGCTGAGACTTGCTGTCTGCGTGCCTCGCAGGGCCCTGCTGACCCCAGCTT[C>T]CTCCCGTAGGACTGTGCAGGTGTGATTCTTTACTCAGCTGAGTGTGCCACACAGGTAGCC-3'